The following is an entry in ClinVar:

NM_006231.4(POLE):c.5252C>T (p.Ala1751Val)

Gene: POLE (DNA polymerase epsilon, catalytic subunit; minus strand). Cytogenetic location: 12q24.33.
Variant type: single nucleotide variant.
Coding change: c.5252C>T on transcript NM_006231.4 (MANE Select); coding-DNA position 5252, C replaced by T.
Protein change: p.Ala1751Val; replaces alanine 1751 with valine.
Molecular consequence: missense variant.
Genome position (GRCh38, 1-based): chr12:132,641,773, G>A on the plus strand (C>T on the coding strand, the complement: POLE is on the minus strand). VCF-style: chr12-132641773-G-A. GRCh37 (hg19) VCF-style: chr12-133218359-G-A.
Other names: c.5252C>T (NM_006231.2); short protein forms A1751V.
Identifiers: ClinVar variation 473719 (VCV000473719.12), dbSNP rs1555222349, ClinGen allele CA387376315.

ClinVar aggregate classification (germline): Uncertain significance. Review status: criteria provided, multiple submitters, no conflicts (2 of 4 stars). 3 submissions from 3 submitters: Uncertain significance (3). Last evaluated 2025-11-13.

Conditions:
Hereditary cancer-predisposing syndrome. Also called: Neoplastic Syndromes, Hereditary; Tumor predisposition; Hereditary Cancer Syndrome; Hereditary neoplastic syndrome. Identifiers: Orphanet 140162, MedGen C0027672, MeSH D009386, MONDO:0015356.

Submissions (3):

Ambry Genetics
Classification: Uncertain significance for Hereditary cancer-predisposing syndrome. Last evaluated: 2025-11-13. Review status: criteria provided, single submitter. Criteria: Ambry Variant Classification Scheme 2023. Collection method: clinical testing. Allele origin: germline.
Comment: The p.A1751V variant (also known as c.5252C>T), located in coding exon 39 of the POLE gene, results from a C to T substitution at nucleotide position 5252. The alanine at codon 1751 is replaced by valine, an amino acid with similar properties. This amino acid position is conserved. In addition, this alteration is predicted to be tolerated by in silico analysis. Since supporting evidence is limited at this time, the clinical significance of this alteration remains unclear.

Labcorp Genetics (formerly Invitae), Labcorp
Classification: Uncertain significance. Last evaluated: 2025-08-13. Review status: criteria provided, single submitter. Criteria: Invitae Variant Classification Sherloc (09022015). Collection method: clinical testing. Allele origin: germline.
Comment: This sequence change replaces alanine, which is neutral and non-polar, with valine, which is neutral and non-polar, at codon 1751 of the POLE protein (p.Ala1751Val). This variant is not present in population databases (gnomAD no frequency). This variant has not been reported in the literature in individuals affected with POLE-related conditions. ClinVar contains an entry for this variant (Variation ID: 473719). Invitae Evidence Modeling of protein sequence and biophysical properties (such as structural, functional, and spatial information, amino acid conservation, physicochemical variation, residue mobility, and thermodynamic stability) indicates that this missense variant is not expected to disrupt POLE protein function with a negative predictive value of 80%. In summary, the available evidence is currently insufficient to determine the role of this variant in disease. Therefore, it has been classified as a Variant of Uncertain Significance.

Genetic Services Laboratory, University of Chicago
Classification: Uncertain significance. Last evaluated: 2021-12-01. Review status: criteria provided, single submitter. Criteria: ACMG Guidelines, 2015. Collection method: clinical testing. Allele origin: germline. Affected: no.